The following is an entry in ClinVar:

ClinVar aggregate classification (germline): Uncertain significance (1 of 4 stars; one submission).

Conditions:
Carnitine palmitoyltransferase II deficiency. Also called: Carnitine Palmitoyltransferase 2 Deficiency. Identifiers: Orphanet 157, MedGen C0342790, MONDO:0015515.

Submission:

Labcorp Genetics (formerly Invitae), Labcorp
Classification: Uncertain significance for Carnitine palmitoyltransferase II deficiency. Last evaluated: 2022-03-18. Review status: criteria provided, single submitter. Criteria: Invitae Variant Classification Sherloc (09022015). Collection method: clinical testing. Allele origin: germline.
Comment: This sequence change replaces proline, which is neutral and non-polar, with alanine, which is neutral and non-polar, at codon 331 of the CPT2 protein (p.Pro331Ala). This variant is not present in population databases (gnomAD no frequency). This variant has not been reported in the literature in individuals affected with CPT2-related conditions. Advanced modeling of protein sequence and biophysical properties (such as structural, functional, and spatial information, amino acid conservation, physicochemical variation, residue mobility, and thermodynamic stability) performed at Invitae indicates that this missense variant is not expected to disrupt CPT2 protein function. In summary, the available evidence is currently insufficient to determine the role of this variant in disease. Therefore, it has been classified as a Variant of Uncertain Significance.

NM_000098.3(CPT2):c.991C>G (p.Pro331Ala)

Gene: CPT2 (carnitine palmitoyltransferase 2; plus strand). Cytogenetic location: 1p32.3.
Variant type: single nucleotide variant.
Coding change: c.991C>G on transcript NM_000098.3 (MANE Select); coding-DNA position 991, C replaced by G.
Protein change: p.Pro331Ala; replaces proline 331 with alanine.
Molecular consequence: missense variant.
Genome position (GRCh38, 1-based): chr1:53,210,665, C>G. VCF-style: chr1-53210665-C-G. GRCh37 (hg19) VCF-style: chr1-53676337-C-G.
Other names: c.991C>G, p.Pro331Ala (NM_001330589.2); short protein forms P331A.
Identifiers: ClinVar variation 2108897 (VCV002108897.4), dbSNP rs2525588898, ClinGen allele CA340394277.